The following is an entry in ClinVar:

NM_000536.4(RAG2):c.1467C>G (p.His489Gln)

Gene: RAG2 (recombination activating 2; minus strand). Cytogenetic location: 11p12.
Variant type: single nucleotide variant.
Coding change: c.1467C>G on transcript NM_000536.4 (MANE Select); coding-DNA position 1467, C replaced by G.
Protein change: p.His489Gln; replaces histidine 489 with glutamine.
Molecular consequence: missense variant.
Genome position (GRCh38, 1-based): chr11:36,592,702, G>C on the plus strand (C>G on the coding strand, the complement: RAG2 is on the minus strand). VCF-style: chr11-36592702-G-C. GRCh37 (hg19) VCF-style: chr11-36614252-G-C.
Other names: c.1467C>G, p.His489Gln (NM_001243785.2, NM_001243786.2); short protein forms H489Q.
Identifiers: ClinVar variation 2003629 (VCV002003629.4), dbSNP rs2494787094, ClinGen allele CA380140297.

ClinVar aggregate classification (germline): Uncertain significance (1 of 4 stars; one submission).

Conditions:
Severe combined immunodeficiency, autosomal recessive, T cell-negative, B cell-negative, NK cell-positive. Also called: SCID, T CELL-NEGATIVE, B CELL-NEGATIVE, NK CELL-POSITIVE; Severe combined immunodeficiency due to complete RAG1/2 deficiency; SCID, AR, T-cell negative, B-cell negative, NK cell-positive. Identifiers: Orphanet 331206, MedGen C1832322, MONDO:0011086, OMIM 601457.
Combined immunodeficiency with skin granulomas. Identifiers: Orphanet 157949, MedGen C2673536, MONDO:0009306, OMIM 233650.

Submission:

Labcorp Genetics (formerly Invitae), Labcorp
Classification: Uncertain significance for Combined immunodeficiency with skin granulomas; Severe combined immunodeficiency, autosomal recessive, T cell-negative, B cell-negative, NK cell-positive. Last evaluated: 2022-06-17. Review status: criteria provided, single submitter. Criteria: Invitae Variant Classification Sherloc (09022015). Collection method: clinical testing. Allele origin: germline.
Comment: This variant has not been reported in the literature in individuals affected with RAG2-related conditions. This variant is not present in population databases (gnomAD no frequency). This sequence change replaces histidine, which is basic and polar, with glutamine, which is neutral and polar, at codon 489 of the RAG2 protein (p.His489Gln). In summary, the available evidence is currently insufficient to determine the role of this variant in disease. Therefore, it has been classified as a Variant of Uncertain Significance. Advanced modeling of protein sequence and biophysical properties (such as structural, functional, and spatial information, amino acid conservation, physicochemical variation, residue mobility, and thermodynamic stability) performed at Invitae indicates that this missense variant is not expected to disrupt RAG2 protein function.